The following is an entry in ClinVar:

NM_001349206.2(LPIN1):c.2699C>T (p.Ser900Leu)

Gene: LPIN1 (lipin 1; plus strand). Cytogenetic location: 2p25.1.
Variant type: single nucleotide variant.
Coding change: c.2699C>T on transcript NM_001349206.2 (MANE Select); coding-DNA position 2699, C replaced by T.
Protein change: p.Ser900Leu; replaces serine 900 with leucine.
Molecular consequence: missense variant. On other transcripts: non-coding transcript variant (1).
Genome position (GRCh38, 1-based): chr2:11,824,709, C>T. VCF-style: chr2-11824709-C-T. GRCh37 (hg19) VCF-style: chr2-11964835-C-T.
Other names: c.2609C>T, p.Ser870Leu (NM_001261427.3); c.2846C>T, p.Ser949Leu (NM_001261428.3); c.2591C>T, p.Ser864Leu (NM_001349199.2, NM_145693.4); c.2669C>T, p.Ser890Leu (NM_001349200.2, NM_001349201.2); c.2696C>T, p.Ser899Leu (NM_001349202.2, NM_001349203.2); c.2699C>T, p.Ser900Leu (NM_001349204.2, NM_001349205.2); c.2789C>T, p.Ser930Leu (NM_001349207.2); c.2738C>T, p.Ser913Leu (NM_001349208.2); and 1 more; short protein forms S890L, S899L, S864L, S900L, S949L, S870L, S913L, S930L.
Identifiers: ClinVar variation 2199417 (VCV002199417.3), dbSNP rs377377619, ClinGen allele CA1534179.
Genomic context (GRCh38, chr2:11,824,709, plus strand): 5'-AAGTAGTCGACCACGTTTTCCCGTTGCTGAAAAGAAGCCATTCTTCAGACTTTCCCTGTT[C>T]GGATACCTTCAGTAACTTCACCTTTTGGAGAGAGCCACTGCCACCTTTTGAAAACCAGGA-3'
Protein context (NP_001336135.1, residues 890-910): KRSHSSDFPC[Ser900Leu]DTFSNFTFWR

ClinVar aggregate classification (germline): Uncertain significance. Review status: criteria provided, multiple submitters, no conflicts (2 of 4 stars). 3 submissions from 3 submitters: Uncertain significance (3). Last evaluated 2024-11-11.

Conditions:
Myoglobinuria, acute recurrent, autosomal recessive. Also called: RHABDOMYOLYSIS, ACUTE RECURRENT; Myoglobinuria, recurrent, autosomal recessive; MYOGLOBINURIA, FAMILIAL PAROXYSMAL PARALYTIC. Identifiers: Orphanet 99845, MedGen C1849386, MONDO:0009992, OMIM 268200.
Inborn genetic diseases. Identifiers: MedGen C0950123, MeSH D030342.

Allele frequency attached by ClinVar (database versions not stated): ExAC 0.00003; TOPMed 0.00003; gnomAD 0.00004; ESP Exome Variant Server 0.00008.
gnomAD v4.1: 23 of 1,614,046 alleles (0.0014%); highest among the groups gnomAD compares: African/African-American, 0.008%; no homozygotes.

Submissions (3):

Ambry Genetics
Classification: Uncertain significance for Inborn genetic diseases. Last evaluated: 2024-11-11. Review status: criteria provided, single submitter. Criteria: Ambry Variant Classification Scheme 2023. Collection method: clinical testing. Allele origin: germline.

Fulgent Genetics
Classification: Uncertain significance for Myoglobinuria, acute recurrent, autosomal recessive. Last evaluated: 2024-04-15. Review status: criteria provided, single submitter. Criteria: ACMG Guidelines, 2015. Collection method: clinical testing. Allele origin: germline.

Labcorp Genetics (formerly Invitae), Labcorp
Classification: Uncertain significance. Last evaluated: 2022-06-28. Review status: criteria provided, single submitter. Criteria: Invitae Variant Classification Sherloc (09022015). Collection method: clinical testing. Allele origin: germline.
Comment: This sequence change replaces serine, which is neutral and polar, with leucine, which is neutral and non-polar, at codon 864 of the LPIN1 protein (p.Ser864Leu). This variant is present in population databases (rs377377619, gnomAD 0.01%). This variant has not been reported in the literature in individuals affected with LPIN1-related conditions. Algorithms developed to predict the effect of missense changes on protein structure and function are either unavailable or do not agree on the potential impact of this missense change (SIFT: "Deleterious"; PolyPhen-2: "Benign"; Align-GVGD: "Class C15"). In summary, the available evidence is currently insufficient to determine the role of this variant in disease. Therefore, it has been classified as a Variant of Uncertain Significance.